The following is an entry in ClinVar:

NM_001360.3(DHCR7):c.*565G>A

Gene: DHCR7 (7-dehydrocholesterol reductase; minus strand). Cytogenetic location: 11q13.4.
Variant type: single nucleotide variant.
Coding change: c.*565G>A on transcript NM_001360.3 (MANE Select); 565 bases downstream of the stop codon, G replaced by A.
Molecular consequence: 3 prime UTR variant.
Genome position (GRCh38, 1-based): chr11:71,434,810, C>T on the plus strand (G>A on the coding strand, the complement: DHCR7 is on the minus strand). VCF-style: chr11-71434810-C-T. GRCh37 (hg19) VCF-style: chr11-71145856-C-T.
Other names: c.*565G>A (NM_001163817.2).
Identifiers: ClinVar variation 882744 (VCV000882744.4), dbSNP rs79320071, ClinGen allele CA224323144.
Genomic context (GRCh38, chr11:71,434,810, plus strand): 5'-AGGTCTGCAGACTCCAGGCAGAGCACTCCTGGCAGCTGTGCAGCAGGAGCAGGAAGGAAA[C>T]GACATGAAAGCCCCTTTCTCCCCAGTGTCCCAGTTCAACACCGTGCACGCTACCAAGGAG-3'

ClinVar aggregate classification (germline): Likely benign (1 of 4 stars; one submission).

Conditions:
Smith-Lemli-Opitz syndrome (SLOS). Also called: 7-Dehydrocholesterol reductase deficiency; LETHAL ACRODYSGENITAL SYNDROME; POLYDACTYLY, SEX REVERSAL, RENAL HYPOPLASIA, AND UNILOBAR LUNG; RSH SYNDROME; RUTLEDGE LETHAL MULTIPLE CONGENITAL ANOMALY SYNDROME. Identifiers: Orphanet 818, MedGen C0175694, MONDO:0010035, OMIM 270400.

Allele frequency attached by ClinVar (database versions not stated): gnomAD exomes 0.00123; gnomAD 0.01210 and 0.01308; 1000 Genomes Project 0.01278; TOPMed 0.01358; 1000 Genomes Project 30x 0.01499.
gnomAD v4.1: 2,020 of 313,106 alleles (0.65%); highest among the groups gnomAD compares: African/African-American, 4.1%; 44 homozygotes.

Submission:

Illumina Laboratory Services, Illumina
Classification: Likely benign for Smith-Lemli-Opitz syndrome. Last evaluated: 2017-04-27. Review status: criteria provided, single submitter. Criteria: ICSL Variant Classification Criteria 13 December 2019. Collection method: clinical testing. Allele origin: germline.
Comment: This variant was observed as part of a predisposition screen in an ostensibly healthy population. A literature search was performed for the gene, cDNA change, and amino acid change (where applicable). No publications were found based on this search. Allele frequency data from public databases allowed determination this variant is unlikely to cause disease. Therefore, this variant is classified as likely benign.